The following is an entry in ClinVar:

ClinVar aggregate classification (germline): Likely benign (0 of 4 stars; one submission).

Conditions:
UROD-related disorder. Also called: UROD-related disorders; UROD-related condition.

Allele frequency attached by ClinVar (database versions not stated): gnomAD 0.00001; ExAC 0.00002; TOPMed 0.00002; gnomAD exomes 0.00003; ESP Exome Variant Server 0.00008.
gnomAD v4.1: 43 of 1,614,052 alleles (0.0027%); highest among the groups gnomAD compares: Non-Finnish European, 0.0035%; no homozygotes.

Submission:

PreventionGenetics, part of Exact Sciences
Classification: Likely benign for UROD-related condition. Last evaluated: 2019-03-04. Review status: no assertion criteria provided. Collection method: clinical testing. Allele origin: germline.
Comment: This variant is classified as likely benign based on ACMG/AMP sequence variant interpretation guidelines (Richards et al. 2015 PMID: 25741868, with internal and published modifications).

NM_000374.5(UROD):c.675C>T (p.Gly225=)

Gene: UROD (uroporphyrinogen decarboxylase; plus strand). Cytogenetic location: 1p34.1.
Variant type: single nucleotide variant.
Coding change: c.675C>T on transcript NM_000374.5 (MANE Select); coding-DNA position 675, C replaced by T.
Protein change: p.Gly225=; no amino-acid change (glycine 225 retained).
Molecular consequence: synonymous variant. On other transcripts: non-coding transcript variant (3).
Genome position (GRCh38, 1-based): chr1:45,014,477, C>T. VCF-style: chr1-45014477-C-T. GRCh37 (hg19) VCF-style: chr1-45480149-C-T.
Identifiers: ClinVar variation 3057409 (VCV003057409.2), dbSNP rs370615357, ClinGen allele CA825313.